The following is an entry in ClinVar:

NM_005378.6(MYCN):c.1192C>T (p.Arg398Trp)

Gene: MYCN (MYCN proto-oncogene, bHLH transcription factor; plus strand). Cytogenetic location: 2p24.3.
Variant type: single nucleotide variant.
Coding change: c.1192C>T on transcript NM_005378.6 (MANE Select); coding-DNA position 1192, C replaced by T.
Protein change: p.Arg398Trp; replaces arginine 398 with tryptophan.
Molecular consequence: missense variant. On other transcripts: 3 prime UTR variant (1).
Genome position (GRCh38, 1-based): chr2:15,945,894, C>T. VCF-style: chr2-15945894-C-T. GRCh37 (hg19) VCF-style: chr2-16086016-C-T.
Other names: c.1192C>T, p.Arg398Trp (NM_001293228.2); c.559C>T, p.Arg187Trp (NM_001293231.2); c.*1127C>T (NM_001293233.2); short protein forms R398W, R187W.
Identifiers: ClinVar variation 372422 (VCV000372422.2), dbSNP rs1057517770, ClinGen allele CA16042420.

ClinVar aggregate classification (germline): Likely pathogenic (1 of 4 stars; one submission).

Allele frequency attached by ClinVar (database versions not stated): TOPMed below 0.00001; gnomAD 0.00001.
gnomAD v4.1: 1 of 1,614,028 alleles (0.000062%); highest among the groups gnomAD compares: African/African-American, 0.0013%; no homozygotes.

Submission:

GeneDx
Classification: Likely pathogenic. Last evaluated: 2016-01-26. Review status: criteria provided, single submitter. Criteria: GeneDx Variant Classification (06012015). Collection method: clinical testing. Allele origin: germline. Affected: yes.
Comment: The R398W variant has not been published as a pathogenic variant, nor has it been reported as abenign variant to our knowledge. The variant was not observed in approximately 6,500 individuals ofEuropean and African American ancestry in the NHLBI Exome Sequencing Project, indicating it is nota common benign variant in these populations. R398W is a non-conservative amino acid substitution,which is likely to impact secondary protein structure as these residues differ in polarity, charge, sizeand/or other properties. This substitution occurs at a position that is conserved across species, and insilico analysis predicts this variant is probably damaging to the protein structure/function. Missensevariants in nearby residues (R393C/S/H, R394H) have been reported in the Human Gene MutationDatabase in association with Feingold syndrome (Stenson et al., 2014), supporting the functionalimportance of this region of the protein. Therefore, based on the currently available information, thisvariant is likely pathogenic; however, the possibility that it is benign cannot be excluded.